The following is an entry in ClinVar:

ClinVar aggregate classification (germline): Likely benign (1 of 4 stars; one submission).

Allele frequency attached by ClinVar (database versions not stated): 1000 Genomes Project 0.00020; 1000 Genomes Project 30x 0.00031; TOPMed 0.00065; gnomAD 0.00102.
gnomAD v4.1: 152 of 152,310 alleles (0.1%); highest among the groups gnomAD compares: Non-Finnish European, 0.17%; no homozygotes.

Submission:

CeGaT Center for Human Genetics Tuebingen
Classification: Likely benign. Last evaluated: 2026-06-01. Review status: criteria provided, single submitter. Criteria: CeGaT Center For Human Genetics Tuebingen Variant Classification Criteria Version 2. Collection method: clinical testing. Allele origin: germline. Affected: yes. Observed: 13 variant alleles.
Comment: FGFR2: BS1

NM_000141.5(FGFR2):c.2301+494C>T

Gene: FGFR2 (fibroblast growth factor receptor 2; minus strand). Cytogenetic location: 10q26.13.
Variant type: single nucleotide variant.
Coding change: c.2301+494C>T on transcript NM_000141.5 (MANE Select); 494 bases into the intron after coding-DNA position 2301, C replaced by T.
Molecular consequence: intron variant.
Genome position (GRCh38, 1-based): chr10:121,483,204, G>A on the plus strand (C>T on the coding strand, the complement: FGFR2 is on the minus strand). VCF-style: chr10-121483204-G-A. GRCh37 (hg19) VCF-style: chr10-123242718-G-A.
Other names: c.1965+494C>T (NM_001144914.1); c.1950+494C>T (NM_001144918.2, NM_001441091.1); c.1956+494C>T (NM_001441090.1, NM_001144916.2); c.2028+494C>T (NM_001441089.1); c.2034+494C>T (NM_023029.3, NM_001144915.2); c.2031+494C>T (NM_001441088.1); c.1953+494C>T (NM_001144917.2); c.2295+494C>T (NM_001320658.2); and 4 more.
Identifiers: ClinVar variation 2640891 (VCV002640891.24), dbSNP rs570724488, ClinGen allele CA214952918.
Genomic context (GRCh38, chr10:121,483,204, plus strand): 5'-TGTAAGTTGCTCATTGTAGAAAACAGTGTATGTTTATATACACCTAGAAAGAGGCTGCAA[G>A]GCATATAGCATTACCAACAGGATCACATAGGATAGTACTGTGGTAACAGAAGCTGGTGTT-3'